The following is an entry in ClinVar:

NM_000535.7(PMS2):c.101G>C (p.Ser34Thr)

Gene: PMS2 (PMS1 homolog 2, mismatch repair system component; minus strand). Cytogenetic location: 7p22.1.
Variant type: single nucleotide variant.
Coding change: c.101G>C on transcript NM_000535.7 (MANE Select); coding-DNA position 101, G replaced by C.
Protein change: p.Ser34Thr; replaces serine 34 with threonine.
Molecular consequence: missense variant. On other transcripts: 5 prime UTR variant (8), non-coding transcript variant (1), intron variant (3).
Genome position (GRCh38, 1-based): chr7:6,005,954, C>G on the plus strand (G>C on the coding strand, the complement: PMS2 is on the minus strand). VCF-style: chr7-6005954-C-G. GRCh37 (hg19) VCF-style: chr7-6045585-C-G.
Other names: c.-305G>C (NM_001322003.2, NM_001322005.2, NM_001322009.2 and 1 more transcripts); c.101G>C, p.Ser34Thr (NM_001322006.2, NM_001322014.2); c.-115G>C (NM_001322007.2); c.-784G>C (NM_001322011.2, NM_001322012.2); c.-384G>C (NM_001322015.2); c.-52-1896G>C (NM_001322008.2); c.-242-1896G>C (NM_001322010.2, NM_001322004.2); short protein forms S34T.
Identifiers: ClinVar variation 838773 (VCV000838773.11), dbSNP rs370612538, ClinGen allele CA366745061.

ClinVar aggregate classification (germline): Uncertain significance. Review status: criteria provided, multiple submitters, no conflicts (2 of 4 stars). 2 submissions from 2 submitters: Uncertain significance (2). Last evaluated 2025-03-06.

Conditions:
Hereditary nonpolyposis colorectal neoplasms. Identifiers: MedGen C0009405, MeSH D003123.
Hereditary cancer-predisposing syndrome. Also called: Neoplastic Syndromes, Hereditary; Tumor predisposition; Hereditary neoplastic syndrome; Hereditary Cancer Syndrome. Identifiers: Orphanet 140162, MedGen C0027672, MeSH D009386, MONDO:0015356.

Submissions (2):

Ambry Genetics
Classification: Uncertain significance for Hereditary cancer-predisposing syndrome. Last evaluated: 2025-03-06. Review status: criteria provided, single submitter. Criteria: Ambry Variant Classification Scheme 2023. Collection method: clinical testing. Allele origin: germline.
Comment: The p.S34T variant (also known as c.101G>C), located in coding exon 2 of the PMS2 gene, results from a G to C substitution at nucleotide position 101. The serine at codon 34 is replaced by threonine, an amino acid with similar properties. This amino acid position is not well conserved in available vertebrate species. In addition, the in silico prediction for this alteration is inconclusive. Since supporting evidence is limited at this time, the clinical significance of this alteration remains unclear.

Labcorp Genetics (formerly Invitae), Labcorp
Classification: Uncertain significance for Hereditary nonpolyposis colorectal neoplasms. Last evaluated: 2021-11-13. Review status: criteria provided, single submitter. Criteria: Invitae Variant Classification Sherloc (09022015). Collection method: clinical testing. Allele origin: germline.
Comment: In summary, the available evidence is currently insufficient to determine the role of this variant in disease. Therefore, it has been classified as a Variant of Uncertain Significance. This sequence change replaces serine, which is neutral and polar, with threonine, which is neutral and polar, at codon 34 of the PMS2 protein (p.Ser34Thr). Advanced modeling of protein sequence and biophysical properties (such as structural, functional, and spatial information, amino acid conservation, physicochemical variation, residue mobility, and thermodynamic stability) performed at Invitae indicates that this missense variant is not expected to disrupt PMS2 protein function. ClinVar contains an entry for this variant (Variation ID: 838773). This variant has not been reported in the literature in individuals affected with PMS2-related conditions. This variant is not present in population databases (gnomAD no frequency).